The following is an entry in ClinVar:

NM_004385.5(VCAN):c.3209G>T (p.Gly1070Val)

Gene: VCAN (versican; plus strand). Cytogenetic location: 5q14.3.
Variant type: single nucleotide variant.
Coding change: c.3209G>T on transcript NM_004385.5 (MANE Select); coding-DNA position 3209, G replaced by T.
Protein change: p.Gly1070Val; replaces glycine 1070 with valine.
Molecular consequence: missense variant. On other transcripts: intron variant (2).
Genome position (GRCh38, 1-based): chr5:83,521,515, G>T. VCF-style: chr5-83521515-G-T. GRCh37 (hg19) VCF-style: chr5-82817334-G-T.
Other names: c.3209G>T, p.Gly1070Val (NM_001164098.2); c.1042+9119G>T (NM_001164097.2, NM_001126336.3); short protein forms G1070V.
Identifiers: ClinVar variation 1376337 (VCV001376337.6), dbSNP rs1020643980, ClinGen allele CA360305569.

ClinVar aggregate classification (germline): Uncertain significance (1 of 4 stars; one submission).

gnomAD v4.1: 1 of 1,614,038 alleles (0.000062%); highest among the groups gnomAD compares: Admixed American, 0.0017%; no homozygotes.

Submission:

Labcorp Genetics (formerly Invitae), Labcorp
Classification: Uncertain significance. Last evaluated: 2026-01-26. Review status: criteria provided, single submitter. Criteria: Invitae Variant Classification Sherloc (09022015). Collection method: clinical testing. Allele origin: germline.
Comment: This sequence change replaces glycine, which is neutral and non-polar, with valine, which is neutral and non-polar, at codon 1070 of the VCAN protein (p.Gly1070Val). This variant is not present in population databases (gnomAD no frequency). This variant has not been reported in the literature in individuals affected with VCAN-related conditions. ClinVar contains an entry for this variant (Variation ID: 1376337). An algorithm developed to predict the effect of missense changes on protein structure and function (PolyPhen-2) suggests that this variant is likely to be disruptive. In summary, the available evidence is currently insufficient to determine the role of this variant in disease. Therefore, it has been classified as a Variant of Uncertain Significance.